The following is an entry in ClinVar:

NM_001038.6(SCNN1A):c.1402C>A (p.His468Asn)

Gene: SCNN1A (sodium channel epithelial 1 subunit alpha; minus strand). Cytogenetic location: 12p13.31.
Variant type: single nucleotide variant.
Coding change: c.1402C>A on transcript NM_001038.6 (MANE Select); coding-DNA position 1402, C replaced by A.
Protein change: p.His468Asn; replaces histidine 468 with asparagine.
Molecular consequence: missense variant.
Genome position (GRCh38, 1-based): chr12:6,349,364, G>T on the plus strand (C>A on the coding strand, the complement: SCNN1A is on the minus strand). VCF-style: chr12-6349364-G-T. GRCh37 (hg19) VCF-style: chr12-6458530-G-T.
Other names: c.1471C>A, p.His491Asn (NM_001159575.2); c.1579C>A, p.His527Asn (NM_001159576.2); short protein forms H468N, H491N, H527N.
Identifiers: ClinVar variation 3603093 (VCV003603093.1).

ClinVar aggregate classification (germline): Uncertain significance (1 of 4 stars; one submission).

gnomAD v4.1: 1 of 1,610,372 alleles (0.000062%); no homozygotes.

Submission:

GeneDx
Classification: Uncertain significance. Last evaluated: 2024-08-06. Review status: criteria provided, single submitter. Criteria: GeneDx Variant Classification Process June 2021. Collection method: clinical testing. Allele origin: germline. Affected: yes.
Comment: Not observed at significant frequency in large population cohorts (gnomAD); In silico analysis indicates that this missense variant does not alter protein structure/function; Has not been previously published as pathogenic or benign to our knowledge